The following is an entry in ClinVar:

ClinVar aggregate classification (germline): Uncertain significance (1 of 4 stars; one submission).

Conditions:
Duchenne muscular dystrophy (DMD). Also called: MUSCULAR DYSTROPHY, PSEUDOHYPERTROPHIC PROGRESSIVE, DUCHENNE TYPE; Duchenne Muscular Dystrophy (DMD). Identifiers: Orphanet 98896, MedGen C0013264, MONDO:0010679, OMIM 310200.

Submission:

Labcorp Genetics (formerly Invitae), Labcorp
Classification: Uncertain significance for Duchenne muscular dystrophy. Last evaluated: 2025-10-26. Review status: criteria provided, single submitter. Criteria: Invitae Variant Classification Sherloc (09022015). Collection method: clinical testing. Allele origin: germline.
Comment: This sequence change replaces arginine, which is basic and polar, with methionine, which is neutral and non-polar, at codon 3327 of the DMD protein (p.Arg3327Met). This variant is not present in population databases (gnomAD no frequency). This missense change has been observed in individual(s) with Becker muscular dystrophy (internal data). ClinVar contains an entry for this variant (Variation ID: 3634789). Invitae Evidence Modeling of protein sequence and biophysical properties (such as structural, functional, and spatial information, amino acid conservation, physicochemical variation, residue mobility, and thermodynamic stability) has been performed for this missense variant. However, the output from this modeling did not meet the statistical confidence thresholds required to predict the impact of this variant on DMD protein function. In summary, the available evidence is currently insufficient to determine the role of this variant in disease. Therefore, it has been classified as a Variant of Uncertain Significance.

NM_004006.3(DMD):c.9980G>T (p.Arg3327Met)

Gene: DMD (dystrophin; minus strand). Cytogenetic location: Xp21.2.
Variant type: single nucleotide variant.
Coding change: c.9980G>T on transcript NM_004006.3 (MANE Select); coding-DNA position 9980, G replaced by T.
Protein change: p.Arg3327Met; replaces arginine 3327 with methionine.
Molecular consequence: missense variant.
Genome position (GRCh38, 1-based): chrX:31,180,476, C>A on the plus strand (G>T on the coding strand, the complement: DMD is on the minus strand). VCF-style: chrX-31180476-C-A. GRCh37 (hg19) VCF-style: chrX-31198593-C-A.
Other names: c.9956G>T, p.Arg3319Met (NM_000109.4); c.9968G>T, p.Arg3323Met (NM_004009.3); c.9611G>T, p.Arg3204Met (NM_004010.3); c.5957G>T, p.Arg1986Met (NM_004011.4); c.5948G>T, p.Arg1983Met (NM_004012.4); c.2600G>T, p.Arg867Met (NM_004013.3, NM_004020.4, NM_004021.3 and 2 more transcripts); c.1793G>T, p.Arg598Met (NM_004014.3); c.776G>T, p.Arg259Met (NM_004015.3, NM_004016.3, NM_004017.3 and 2 more transcripts); short protein forms R1983M, R598M, R867M, R3319M, R3323M, R3204M, R1986M, R259M.
Identifiers: ClinVar variation 3634789 (VCV003634789.2).